The following is an entry in ClinVar:

ClinVar aggregate classification (germline): Uncertain significance (1 of 4 stars; one submission).

Conditions:
Hereditary cancer-predisposing syndrome. Also called: Neoplastic Syndromes, Hereditary; Tumor predisposition; Hereditary neoplastic syndrome; Hereditary Cancer Syndrome. Identifiers: Orphanet 140162, MedGen C0027672, MeSH D009386, MONDO:0015356.
Cardiovascular phenotype. Identifiers: MedGen CN230736.

Submission:

Ambry Genetics
Classification: Uncertain significance for Cardiovascular phenotype; Hereditary cancer-predisposing syndrome. Last evaluated: 2023-04-03. Review status: criteria provided, single submitter. Criteria: Ambry Variant Classification Scheme 2023. Collection method: clinical testing. Allele origin: germline.
Comment: The p.I2594V variant (also known as c.7780A>G), located in coding exon 52 of the NF1 gene, results from an A to G substitution at nucleotide position 7780. The isoleucine at codon 2594 is replaced by valine, an amino acid with highly similar properties. This amino acid position is conserved. In addition, this alteration is predicted to be tolerated by in silico analysis. Since supporting evidence is limited at this time, the clinical significance of this alteration remains unclear.

NM_001042492.3(NF1):c.7843A>G (p.Ile2615Val)

Gene: NF1 (neurofibromin 1; plus strand). Cytogenetic location: 17q11.2.
Variant type: single nucleotide variant.
Coding change: c.7843A>G on transcript NM_001042492.3 (MANE Select); coding-DNA position 7843, A replaced by G.
Protein change: p.Ile2615Val; replaces isoleucine 2615 with valine.
Molecular consequence: missense variant.
Genome position (GRCh38, 1-based): chr17:31,357,064, A>G. VCF-style: chr17-31357064-A-G. GRCh37 (hg19) VCF-style: chr17-29684082-A-G.
Other names: c.7780A>G, p.Ile2594Val (NM_000267.4); short protein forms I2594V, I2615V.
Identifiers: ClinVar variation 3237956 (VCV003237956.1), dbSNP rs2151582483.